The following is an entry in ClinVar:

ClinVar aggregate classification (germline): Uncertain significance (1 of 4 stars; one submission).

gnomAD v4.1: 2 of 1,598,698 alleles (0.00013%); highest among the groups gnomAD compares: Non-Finnish European, 0.00017%; no homozygotes.

Submission:

GeneDx
Classification: Uncertain significance. Last evaluated: 2023-07-25. Review status: criteria provided, single submitter. Criteria: GeneDx Variant Classification Process June 2021. Collection method: clinical testing. Allele origin: germline. Affected: yes.
Comment: Not observed at significant frequency in large population cohorts (gnomAD); In silico analysis supports that this missense variant does not alter protein structure/function; Has not been previously published as pathogenic or benign to our knowledge

NM_001365276.2(TNXB):c.4984A>C (p.Lys1662Gln)

Gene: TNXB (tenascin XB; minus strand). Cytogenetic location: 6p21.33.
Variant type: single nucleotide variant.
Coding change: c.4984A>C on transcript NM_001365276.2 (MANE Select); coding-DNA position 4984, A replaced by C.
Protein change: p.Lys1662Gln; replaces lysine 1662 with glutamine.
Molecular consequence: missense variant.
Genome position (GRCh38, 1-based): chr6:32,071,996, T>G on the plus strand (A>C on the coding strand, the complement: TNXB is on the minus strand). VCF-style: chr6-32071996-T-G. GRCh37 (hg19) VCF-style: chr6-32039773-T-G.
Other names: c.5725A>C, p.Lys1909Gln (NM_001428335.1); c.4984A>C, p.Lys1662Gln (NM_019105.8); short protein forms K1662Q, K1909Q.
Identifiers: ClinVar variation 3361458 (VCV003361458.1).
Genomic context (GRCh38, chr6:32,071,996, plus strand): 5'-AGAAGGGTGGGAAGGCTGTGGCCTCAGGCTCAGCTGTGTAGGGGCCCATCTCACCCGTCT[T>G]TGCCTCCACAGAGACTGGGCTGCGTCGTTTCCCATCCTGGATCCCAAAGAGCAGGAACTT-3'
Protein context (NP_001352205.1, residues 1652-1672): KRRSPVSVEA[Lys1662Gln]TVARGDASPG